The following is an entry in ClinVar:

ClinVar aggregate classification (germline): Conflicting classifications of pathogenicity. Review status: criteria provided, conflicting classifications (1 of 4 stars). 3 submissions from 3 submitters: Uncertain significance (1); Likely benign (2). Last evaluated 2026-01-21.

Conditions:
Chédiak-Higashi syndrome (CHS). Also called: Chediak-Higashi Syndrome. Identifiers: Orphanet 167, MedGen C0007965, MONDO:0008963, OMIM 214500.

gnomAD v4.1: 82 of 1,609,924 alleles (0.0051%); highest among the groups gnomAD compares: Admixed American, 0.0083%; no homozygotes.

Submissions (3):

Labcorp Genetics (formerly Invitae), Labcorp
Classification: Likely benign for Chédiak-Higashi syndrome. Last evaluated: 2026-01-21. Review status: criteria provided, single submitter. Criteria: Invitae Variant Classification Sherloc (09022015). Collection method: clinical testing. Allele origin: germline.

Women's Health and Genetics/Laboratory Corporation of America, LabCorp
Classification: Likely benign. Last evaluated: 2024-05-10. Review status: criteria provided, single submitter. Criteria: LabCorp Variant Classification Summary - May 2015. Collection method: clinical testing. Allele origin: germline.
Comment: Variant summary: LYST c.285T>C (p.Asp95Asp) alters a non-conserved nucleotide located close to a canonical splice site and therefore could affect mRNA splicing, leading to a significantly altered protein sequence. Consensus agreement among computation tools predict no significant impact on normal splicing. However, these predictions have yet to be confirmed by functional studies. The variant allele was found at a frequency of 4.9e-05 in 246368 control chromosomes (gnomAD). This frequency is not higher than the estimated maximum expected for a pathogenic variant in LYST causing Chediak-Higashi Syndrome (0.0011), allowing no conclusion about variant significance. To our knowledge, no occurrence of c.285T>C in individuals affected with Chediak-Higashi Syndrome and no experimental evidence demonstrating its impact on protein function have been reported. ClinVar contains an entry for this variant (Variation ID: 1088059). Based on the evidence outlined above, the variant was classified as likely benign.

Revvity Omics, Revvity
Classification: Uncertain significance for Chédiak-Higashi syndrome. Last evaluated: 2019-12-09. Review status: criteria provided, single submitter. Criteria: ACMG Guidelines, 2015. Collection method: clinical testing. Allele origin: germline.

NM_000081.4(LYST):c.285T>C (p.Asp95=)

Gene: LYST (lysosomal trafficking regulator; minus strand). Cytogenetic location: 1q42.3.
Variant type: single nucleotide variant.
Coding change: c.285T>C on transcript NM_000081.4 (MANE Select); coding-DNA position 285, T replaced by C.
Protein change: p.Asp95=; no amino-acid change (aspartic acid 95 retained).
Molecular consequence: synonymous variant.
Genome position (GRCh38, 1-based): chr1:235,810,533, A>G on the plus strand (T>C on the coding strand, the complement: LYST is on the minus strand). VCF-style: chr1-235810533-A-G. GRCh37 (hg19) VCF-style: chr1-235973833-A-G.
Other names: c.285T>C, p.Asp95= (NM_001301365.1); c.285T>C (NM_000081.3).
Identifiers: ClinVar variation 1088059 (VCV001088059.12), dbSNP rs747965676, ClinGen allele CA1467655.